The following is an entry in ClinVar:

NM_022124.6(CDH23):c.2956_2967del (p.Leu986_Asn989del)

Gene: CDH23 (cadherin related 23; plus strand). Cytogenetic location: 10q22.1.
Variant type: Deletion.
Coding change: c.2956_2967del on transcript NM_022124.6 (MANE Select); coding-DNA positions 2956 to 2967, 12 bases deleted (CTGGATGTGAAC).
Protein change: p.Leu986_Asn989del.
Molecular consequence: inframe deletion.
Genome position (GRCh38, 1-based): chr10:71,706,899-71,706,910, CTGGATGTGAAC deleted. VCF-style (leftmost placement, unchanged base first): chr10-71706898-GCTGGATGTGAAC-G. GRCh37 (hg19) VCF-style: chr10-73466655-GCTGGATGTGAAC-G.
Other names: c.2956_2967del, p.Leu986_Asn989del (NM_001171930.2, NM_001171931.2).
Identifiers: ClinVar variation 2023129 (VCV002023129.4), dbSNP rs1865810180, ClinGen allele CA1918837939.
Genomic context (GRCh38, chr10:71,706,898, plus strand): 5'-GAGCTGGGTCTTCTGCGGCAGAAGCCAGGCCTAGCCCCGGCGCCCGTTCTGCCCCGCAGT[GCTGGATGTGAAC>G]GACGAGACGCCCACCTTCTTCCCGGCCGTGTACAATGTGTCTGTGTCCGAGGACGTGCCA-3'

ClinVar aggregate classification (germline): Uncertain significance (1 of 4 stars; one submission).

Allele frequency attached by ClinVar (database versions not stated): gnomAD exomes below 0.00001; TOPMed 0.00001.

Submission:

Labcorp Genetics (formerly Invitae), Labcorp
Classification: Uncertain significance. Last evaluated: 2022-09-27. Review status: criteria provided, single submitter. Criteria: Invitae Variant Classification Sherloc (09022015). Collection method: clinical testing. Allele origin: germline.
Comment: This variant disrupts a region of the CDH23 protein in which other variant(s) (p.Asp987Asn) have been observed in individuals with CDH23-related conditions (PMID: 26226137). This suggests that this is a clinically significant region of the protein, and that variants that disrupt it are likely to be disease-causing. This variant has not been reported in the literature in individuals affected with CDH23-related conditions. This variant is not present in population databases (gnomAD no frequency). This variant, c.2956_2967del, results in the deletion of 4 amino acid(s) of the CDH23 protein (p.Leu986_Asn989del), but otherwise preserves the integrity of the reading frame. In summary, the available evidence is currently insufficient to determine the role of this variant in disease. Therefore, it has been classified as a Variant of Uncertain Significance.

Literature cited by the submitters: PubMed 26226137.